The following is an entry in ClinVar:

ClinVar aggregate classification (germline): Pathogenic (3 of 4 stars; one submission).

Conditions:
Glanzmann thrombasthenia. Also called: BLEEDING DISORDER, PLATELET-TYPE, 2; THROMBASTHENIA OF GLANZMANN AND NAEGELI; Thrombasthenia; PLATELET GLYCOPROTEIN IIb-IIIa DEFICIENCY; Glanzmann's thrombasthenia. Identifiers: Orphanet 849, MedGen C0040015, MONDO:0100326.

Submission:

ClinGen Platelet Disorders Variant Curation Expert Panel, ClinGen
Classification: Pathogenic for Glanzmann thrombasthenia. Last evaluated: 2023-04-07. Review status: reviewed by expert panel. Criteria: ClinGen Platelet ACMG Specifications v2-1. Collection method: curation. Allele origin: germline. Inheritance: Autosomal recessive inheritance.
Comment: The c.2994G>A (p.Trp998Ter) variant in exon 29 is a nonsense variant predicted to cause a premature stop codon in biologically-relevant-exon 29 and is predicted to lead to nonsense mediated decay in a gene in which loss-of-function is an established disease mechanism. The resulting stop codon is upsteam of the last 50 bp of the penultimate exon in the ITGA2B gene (PVS1). At least one patient (Patient GT-1 in PMIDs 22837472 and 30934104) with this variant displayed mucocutaneous bleeding and impaired aggregation with all agonists except ristocetin, which is highly specific for Glanzmann thrombasthenia. Additionally, αIIbβ3 surface expression was reduced to 0% (<25%), as measured by flow cytometry. However, ITGA2B and ITGB3 were not reported to be sequenced across all exons and intron/exon boundaries (PP4_Moderate). Additionally, this variant is absent from gnomAD v2.1.1 (PM2_Supporting). In summary, this variant meets the criteria to be classified as Pathogenic for autosomal recessive Glanzmann Thrombasthenia based on the ACMG/AMP criteria applied, as specified by the ClinGen PD VCEP: PVS1, PP4_Moderate and PM2_Supporting (VCEP specifications version 2).

NM_000419.5(ITGA2B):c.2994G>A (p.Trp998Ter)

Gene: ITGA2B (integrin subunit alpha 2b; minus strand). Cytogenetic location: 17q21.31.
Variant type: single nucleotide variant.
Coding change: c.2994G>A on transcript NM_000419.5 (MANE Select); coding-DNA position 2994, G replaced by A.
Protein change: p.Trp998Ter; replaces tryptophan 998 with a stop codon.
Molecular consequence: nonsense.
Genome position (GRCh38, 1-based): chr17:44,374,420, C>T on the plus strand (G>A on the coding strand, the complement: ITGA2B is on the minus strand). VCF-style: chr17-44374420-C-T. GRCh37 (hg19) VCF-style: chr17-42451788-C-T.
Other names: NM_000419.5:c.2994G>A; short protein forms W998*.
Identifiers: ClinVar variation 2498365 (VCV002498365.2), dbSNP rs2510072374, ClinGen allele CA399789759.
Genomic context (GRCh38, chr17:44,374,420, plus strand): 5'-CATGGCCAGGACCAGGATGGTGAGCAGCAGCAGGCCACCCAGCACACCCACCAGCACCCA[C>T]CAGATTGGAATGGCCCTCTCCTCCAAGGCCCGGAGCAGCTGTGTCCACACCTGGGGGCAA-3'